The following is an entry in ClinVar:

ClinVar aggregate classification (germline): Likely benign (1 of 4 stars; one submission).

Submission:

GeneDx
Classification: Likely benign. Last evaluated: 2023-07-11. Review status: criteria provided, single submitter. Criteria: GeneDx Variant Classification Process June 2021. Collection method: clinical testing. Allele origin: germline.
Comment: See Variant Classification Assertion Criteria.

NM_020719.3(PRR12):c.2771C>A (p.Pro924Gln)

Gene: PRR12 (proline rich 12; plus strand). Cytogenetic location: 19q13.33.
Variant type: single nucleotide variant.
Coding change: c.2771C>A on transcript NM_020719.3 (MANE Select); coding-DNA position 2771, C replaced by A.
Protein change: p.Pro924Gln; replaces proline 924 with glutamine.
Molecular consequence: missense variant.
Genome position (GRCh38, 1-based): chr19:49,597,106, C>A. VCF-style: chr19-49597106-C-A. GRCh37 (hg19) VCF-style: chr19-50100363-C-A.
Other names: short protein forms P924Q.
Identifiers: ClinVar variation 2428996 (VCV002428996.4), dbSNP rs368189929, ClinGen allele CA406876742.